The following is an entry in ClinVar:

ClinVar aggregate classification (germline): Uncertain significance (1 of 4 stars; one submission).

Allele frequency attached by ClinVar (database versions not stated): gnomAD exomes below 0.00001.
gnomAD v4.1: 2 of 1,614,116 alleles (0.00012%); highest among the groups gnomAD compares: Non-Finnish European, 0.00017%; no homozygotes.

Submission:

Labcorp Genetics (formerly Invitae), Labcorp
Classification: Uncertain significance. Last evaluated: 2021-12-23. Review status: criteria provided, single submitter. Criteria: Invitae Variant Classification Sherloc (09022015). Collection method: clinical testing. Allele origin: germline.
Comment: This sequence change replaces glycine, which is neutral and non-polar, with arginine, which is basic and polar, at codon 487 of the GSN protein (p.Gly487Arg). This variant is not present in population databases (gnomAD no frequency). This variant has not been reported in the literature in individuals affected with GSN-related conditions. Algorithms developed to predict the effect of missense changes on protein structure and function are either unavailable or do not agree on the potential impact of this missense change (SIFT: "Deleterious"; PolyPhen-2: "Benign"; Align-GVGD: "Class C0"). In summary, the available evidence is currently insufficient to determine the role of this variant in disease. Therefore, it has been classified as a Variant of Uncertain Significance.

NM_198252.3(GSN):c.1306G>A (p.Gly436Arg)

Gene: GSN (gelsolin; plus strand). Cytogenetic location: 9q33.2.
Variant type: single nucleotide variant.
Coding change: c.1306G>A on transcript NM_198252.3 (MANE Select); coding-DNA position 1306, G replaced by A.
Protein change: p.Gly436Arg; replaces glycine 436 with arginine.
Molecular consequence: missense variant.
Genome position (GRCh38, 1-based): chr9:121,321,382, G>A. VCF-style: chr9-121321382-G-A. GRCh37 (hg19) VCF-style: chr9-124083660-G-A.
Other names: c.1306G>A, p.Gly436Arg (NM_001353060.2, NM_001353061.2, NM_001353062.1 and 10 more transcripts); c.1339G>A, p.Gly447Arg (NM_001353063.2, NM_001353064.2, NM_001353065.2 and 13 more transcripts); c.1459G>A, p.Gly487Arg (NM_000177.5); c.1414G>A, p.Gly472Arg (NM_001127663.2); c.1357G>A, p.Gly453Arg (NM_001258029.2); c.1330G>A, p.Gly444Arg (NM_001258030.2); c.1378G>A, p.Gly460Arg (NM_001353076.2); c.652G>A, p.Gly218Arg (NM_001353078.2); short protein forms G447R, G472R, G218R, G436R, G460R, G444R, G453R, G487R.
Identifiers: ClinVar variation 2056265 (VCV002056265.4), dbSNP rs1428666233, ClinGen allele CA374750076.